The following is an entry in ClinVar:

ClinVar aggregate classification (germline): Pathogenic (1 of 4 stars; one submission).

Conditions:
Multiple endocrine neoplasia type 4. Also called: MULTIPLE ENDOCRINE NEOPLASIA, TYPE IV. Identifiers: Orphanet 276152, MedGen C1970712, MONDO:0012552, OMIM 610755.

Submission:

Labcorp Genetics (formerly Invitae), Labcorp
Classification: Pathogenic for Multiple endocrine neoplasia type 4. Last evaluated: 2021-09-10. Review status: criteria provided, single submitter. Criteria: Invitae Variant Classification Sherloc (09022015). Collection method: clinical testing. Allele origin: germline.
Comment: This sequence change creates a premature translational stop signal (p.Lys73*) in the CDKN1B gene. It is expected to result in an absent or disrupted protein product. This variant is not present in population databases (ExAC no frequency). This variant has not been reported in the literature in individuals with CDKN1B-related disease. Loss-of-function variants in CDKN1B are known to be pathogenic (PMID: 17030811, 24819502). For these reasons, this variant has been classified as Pathogenic.

Literature cited by the submitters: PubMed 17030811; PubMed 24819502.

NM_004064.5(CDKN1B):c.217A>T (p.Lys73Ter)

Gene: CDKN1B (cyclin dependent kinase inhibitor 1B; plus strand). Cytogenetic location: 12p13.1.
Variant type: single nucleotide variant.
Coding change: c.217A>T on transcript NM_004064.5 (MANE Select); coding-DNA position 217, A replaced by T.
Protein change: p.Lys73Ter; replaces lysine 73 with a stop codon.
Molecular consequence: nonsense.
Genome position (GRCh38, 1-based): chr12:12,718,056, A>T. VCF-style: chr12-12718056-A-T. GRCh37 (hg19) VCF-style: chr12-12870990-A-T.
Other names: short protein forms K73*.
Identifiers: ClinVar variation 639545 (VCV000639545.6), dbSNP rs1592280948, ClinGen allele CA383969564.